The following is an entry in ClinVar:

ClinVar aggregate classification (germline): Uncertain significance (1 of 4 stars; one submission).

Conditions:
Joubert syndrome. Also called: Familial aplasia of the vermis; CEREBELLOPARENCHYMAL DISORDER IV; JOUBERT-BOLTSHAUSER SYNDROME. Identifiers: Orphanet 475, MedGen C5979921, MONDO:0018772.

Allele frequency attached by ClinVar (database versions not stated): gnomAD exomes below 0.00001; gnomAD 0.00001; TOPMed 0.00001.
gnomAD v4.1: 5 of 1,541,132 alleles (0.00032%); highest among the groups gnomAD compares: Non-Finnish European, 0.00044%; no homozygotes.

Submission:

Labcorp Genetics (formerly Invitae), Labcorp
Classification: Uncertain significance for Joubert syndrome. Last evaluated: 2021-08-27. Review status: criteria provided, single submitter. Criteria: Invitae Variant Classification Sherloc (09022015). Collection method: clinical testing. Allele origin: germline.
Comment: This sequence change replaces isoleucine with valine at codon 490 of the AHI1 protein (p.Ile490Val). The isoleucine residue is moderately conserved and there is a small physicochemical difference between isoleucine and valine. This variant is not present in population databases (ExAC no frequency). This variant has not been reported in the literature in individuals affected with AHI1-related conditions. Algorithms developed to predict the effect of missense changes on protein structure and function (SIFT, PolyPhen-2, Align-GVGD) all suggest that this variant is likely to be tolerated. In summary, the available evidence is currently insufficient to determine the role of this variant in disease. Therefore, it has been classified as a Variant of Uncertain Significance.

NM_001134831.2(AHI1):c.1468A>G (p.Ile490Val)

Gene: AHI1 (Abelson helper integration site 1; minus strand). Cytogenetic location: 6q23.3.
Variant type: single nucleotide variant.
Coding change: c.1468A>G on transcript NM_001134831.2 (MANE Select); coding-DNA position 1468, A replaced by G.
Protein change: p.Ile490Val; replaces isoleucine 490 with valine.
Molecular consequence: missense variant.
Genome position (GRCh38, 1-based): chr6:135,448,448, T>C on the plus strand (A>G on the coding strand, the complement: AHI1 is on the minus strand). VCF-style: chr6-135448448-T-C. GRCh37 (hg19) VCF-style: chr6-135769586-T-C.
Other names: c.1468A>G, p.Ile490Val (NM_001134830.2, NM_001134832.2, NM_001350503.2 and 2 more transcripts); short protein forms I490V.
Identifiers: ClinVar variation 1063453 (VCV001063453.6), dbSNP rs1316545198, ClinGen allele CA365745627.